The following is an entry in ClinVar:

NM_001166108.2(PALLD):c.812C>T (p.Pro271Leu)

Gene: PALLD (palladin, cytoskeletal associated protein; plus strand). Cytogenetic location: 4q32.3.
Variant type: single nucleotide variant.
Coding change: c.812C>T on transcript NM_001166108.2 (MANE Select); coding-DNA position 812, C replaced by T.
Protein change: p.Pro271Leu; replaces proline 271 with leucine.
Molecular consequence: missense variant.
Genome position (GRCh38, 1-based): chr4:168,512,316, C>T. VCF-style: chr4-168512316-C-T. GRCh37 (hg19) VCF-style: chr4-169433467-C-T.
Other names: c.812C>T, p.Pro271Leu (NM_016081.4); short protein forms P271L.
Identifiers: ClinVar variation 1762118 (VCV001762118.2), dbSNP rs1428789171, ClinGen allele CA358728432.

ClinVar aggregate classification (germline): Uncertain significance (1 of 4 stars; one submission).

Allele frequency attached by ClinVar (database versions not stated): gnomAD exomes below 0.00001; gnomAD 0.00001.
gnomAD v4.1: 3 of 1,614,038 alleles (0.00019%); highest among the groups gnomAD compares: African/African-American, 0.0013%; no homozygotes.

Submission:

Ambry Genetics
Classification: Uncertain significance. Last evaluated: 2021-12-23. Review status: criteria provided, single submitter. Criteria: Ambry Variant Classification Scheme 2023. Collection method: clinical testing. Allele origin: germline.
Comment: The p.P271L variant (also known as c.812C>T), located in coding exon 1 of the PALLD gene, results from a C to T substitution at nucleotide position 812. The proline at codon 271 is replaced by leucine, an amino acid with similar properties. This amino acid position is conserved. In addition, this alteration is predicted to be deleterious by in silico analysis. Since supporting evidence is limited at this time, the clinical significance of this alteration remains unclear.